The following is an entry in ClinVar:

ClinVar aggregate classification (germline): Likely benign. Review status: criteria provided, single submitter (1 of 4 stars). 2 submissions from 2 submitters: Likely benign (1). 1 of the submissions does not count toward it. Last evaluated 2025-09-22.

Conditions:
RGS9BP-related disorder. Also called: RGS9BP-related condition.

Allele frequency attached by ClinVar (database versions not stated): ExAC 0.00002; gnomAD exomes 0.00004.

Submissions (2):

Labcorp Genetics (formerly Invitae), Labcorp
Classification: Likely benign. Last evaluated: 2025-09-22. Review status: criteria provided, single submitter. Criteria: Invitae Variant Classification Sherloc (09022015). Collection method: clinical testing. Allele origin: germline.

PreventionGenetics, part of Exact Sciences
Classification: Likely benign for RGS9BP-related condition. Last evaluated: 2020-02-19. Review status: no assertion criteria provided. Collection method: clinical testing. Allele origin: germline. Not counted in ClinVar's aggregate classification.
Comment: This variant is classified as likely benign based on ACMG/AMP sequence variant interpretation guidelines (Richards et al. 2015 PMID: 25741868, with internal and published modifications).

NM_207391.3(RGS9BP):c.588C>A (p.Val196=)

Gene: RGS9BP (regulator of G protein signaling 9 binding protein; plus strand). Cytogenetic location: 19q13.11.
Variant type: single nucleotide variant.
Coding change: c.588C>A on transcript NM_207391.3 (MANE Select); coding-DNA position 588, C replaced by A.
Protein change: p.Val196=; no amino-acid change (valine 196 retained).
Molecular consequence: synonymous variant.
Genome position (GRCh38, 1-based): chr19:32,676,851, C>A. VCF-style: chr19-32676851-C-A. GRCh37 (hg19) VCF-style: chr19-33167757-C-A.
Other names: c.588C>A (NM_207391.2).
Identifiers: ClinVar variation 1121033 (VCV001121033.11), dbSNP rs751390923, ClinGen allele CA9357559.